The following is an entry in ClinVar:

NM_172240.3(POC1B):c.87C>G (p.Asn29Lys)

Genes: POC1B-GALNT4 (POC1B-GALNT4 readthrough; minus strand), POC1B (POC1 centriolar protein B; minus strand), POC1B-DUSP6 (POC1B-DUSP6 readthrough; minus strand), LOC130008356 (ATAC-STARR-seq lymphoblastoid silent region 4693; plus strand). Cytogenetic location: 12q21.33.
Variant type: single nucleotide variant.
Coding change: c.87C>G on transcript NM_172240.3 (MANE Select); coding-DNA position 87, C replaced by G.
Protein change: p.Asn29Lys; replaces asparagine 29 with lysine.
Molecular consequence: missense variant. On other transcripts: 5 prime UTR variant (1), non-coding transcript variant (2).
Genome position (GRCh38, 1-based): chr12:89,525,133, G>C on the plus strand (C>G on the coding strand, the complement: POC1B is on the minus strand). VCF-style: chr12-89525133-G-C. GRCh37 (hg19) VCF-style: chr12-89918910-G-C.
Other names: c.87C>G, p.Asn29Lys (NM_001199781.2); c.347C>G, p.Thr116Arg (NM_001199782.1); c.-40C>G (NM_001199777.2); short protein forms N29K, T116R.
Identifiers: ClinVar variation 1471678 (VCV001471678.3), dbSNP rs1871332014, ClinGen allele CA386008106.
Genomic context (GRCh38, chr12:89,525,133, plus strand): 5'-CATGGAGTTTAGTCTCATTACAAAAGCAAAACAAGAATAAGACTTACCAAGTTGCTTGCC[G>C]TTGGGGCTGAGGTCCAAGGAGGTGATCGCAGCTTTGTGGCCTTTGAAATAACGCTCCAGA-3'
Protein context (NP_758440.1, residues 19-39): AAITSLDLSP[Asn29Lys]GKQLATASWD

ClinVar aggregate classification (germline): Uncertain significance (1 of 4 stars; one submission).

Allele frequency attached by ClinVar (database versions not stated): gnomAD exomes below 0.00001; TOPMed below 0.00001.
gnomAD v4.1: 1 of 1,614,072 alleles (0.000062%); highest among the groups gnomAD compares: African/African-American, 0.0013%; no homozygotes.

Submission:

Labcorp Genetics (formerly Invitae), Labcorp
Classification: Uncertain significance. Last evaluated: 2022-08-23. Review status: criteria provided, single submitter. Criteria: Invitae Variant Classification Sherloc (09022015). Collection method: clinical testing. Allele origin: germline.
Comment: This sequence change replaces asparagine, which is neutral and polar, with lysine, which is basic and polar, at codon 29 of the POC1B protein (p.Asn29Lys). This variant is not present in population databases (gnomAD no frequency). This variant has not been reported in the literature in individuals affected with POC1B-related conditions. ClinVar contains an entry for this variant (Variation ID: 1471678). Advanced modeling of protein sequence and biophysical properties (such as structural, functional, and spatial information, amino acid conservation, physicochemical variation, residue mobility, and thermodynamic stability) performed at Invitae indicates that this missense variant is not expected to disrupt POC1B protein function. In summary, the available evidence is currently insufficient to determine the role of this variant in disease. Therefore, it has been classified as a Variant of Uncertain Significance.